The following is an entry in ClinVar:

ClinVar aggregate classification (germline): Uncertain significance (1 of 4 stars; one submission).

Conditions:
Alstrom syndrome (ALMS). Identifiers: Orphanet 64, MedGen C0268425, MONDO:0008763, OMIM 203800.

Submission:

Labcorp Genetics (formerly Invitae), Labcorp
Classification: Uncertain significance for Alstrom syndrome. Last evaluated: 2021-07-08. Review status: criteria provided, single submitter. Criteria: Invitae Variant Classification Sherloc (09022015). Collection method: clinical testing. Allele origin: germline.
Comment: This sequence change replaces aspartic acid with tyrosine at codon 3406 of the ALMS1 protein (p.Asp3406Tyr). The aspartic acid residue is weakly conserved and there is a large physicochemical difference between aspartic acid and tyrosine. In summary, the available evidence is currently insufficient to determine the role of this variant in disease. Therefore, it has been classified as a Variant of Uncertain Significance. Experimental studies and prediction algorithms are not available or were not evaluated, and the functional significance of this variant is currently unknown. This variant has not been reported in the literature in individuals affected with ALMS1-related conditions. This variant is not present in population databases (ExAC no frequency).

NM_001378454.1(ALMS1):c.10213G>T (p.Asp3405Tyr)

Gene: ALMS1 (ALMS1 centrosome and basal body associated protein; plus strand). Cytogenetic location: 2p13.1.
Variant type: single nucleotide variant.
Coding change: c.10213G>T on transcript NM_001378454.1 (MANE Select); coding-DNA position 10213, G replaced by T.
Protein change: p.Asp3405Tyr; replaces aspartic acid 3405 with tyrosine.
Molecular consequence: missense variant.
Genome position (GRCh38, 1-based): chr2:73,557,354, G>T. VCF-style: chr2-73557354-G-T. GRCh37 (hg19) VCF-style: chr2-73784481-G-T.
Other names: c.10216G>T, p.Asp3406Tyr (NM_015120.4); short protein forms D3406Y, D3405Y.
Identifiers: ClinVar variation 1366270 (VCV001366270.6), dbSNP rs2104058482, ClinGen allele CA347276909.